The following is an entry in ClinVar:

NM_000558.5(HBA1):c.178G>C (p.Gly60Arg)

Genes: HBA1 (hemoglobin subunit alpha 1; plus strand), LOC106804613 (hemoglobin subunit alpha 1 recombination region; plus strand). Cytogenetic location: 16p13.3.
Variant type: single nucleotide variant.
Coding change: c.178G>C on transcript NM_000558.5 (MANE Select); coding-DNA position 178, G replaced by C.
Protein change: p.Gly60Arg; replaces glycine 60 with arginine.
Molecular consequence: missense variant.
Genome position (GRCh38, 1-based): chr16:177,011, G>C. VCF-style: chr16-177011-G-C. GRCh37 (hg19) VCF-style: chr16-227010-G-C.
Other names: c.178G>C (NM_000558.4); short protein forms G60R.
Identifiers: ClinVar variation 993066 (VCV000993066.4), dbSNP rs281864895, ClinGen allele CA393995220.

ClinVar aggregate classification (germline): Pathogenic/Likely pathogenic. Review status: criteria provided, multiple submitters, no conflicts (2 of 4 stars). 3 submissions from 3 submitters: Pathogenic (2); Likely pathogenic (1). Last evaluated 2025-12-04.

Conditions:
alpha Thalassemia. Also called: Alpha thalassemia spectrum. Identifiers: Orphanet 846, MedGen C0002312, MONDO:0011399, OMIM 604131.

Allele frequency attached by ClinVar (database versions not stated): gnomAD exomes below 0.00001.

Submissions (3):

Natera, Inc.
Classification: Likely pathogenic for Alpha thalassemia. Last evaluated: 2025-12-04. Review status: criteria provided, single submitter. Criteria: Natera Variant Classification Schema (03/2026). Collection method: clinical testing. Allele origin: germline.
Comment: The c.178G>C variant in HBA1 is a missense variant predicted to cause substitution of glycine to arginine at amino acid 60. This variant is rare in the general population with a frequency below the threshold expected for the associated phenotype(s). This variant has been observed in one or more individuals affected with the associated recessive disease, as either homozygous or compound heterozygous with a second variant (PMID: 24261598, 36815319). A different variant at the same position has been determined to be Pathogenic or Likely Pathogenic. Computational prediction algorithms indicate this variant is likely to affect gene or protein function. Given the available evidence, this variant is classified as Likely Pathogenic.

Quest Diagnostics Nichols Institute San Juan Capistrano
Classification: Pathogenic. Last evaluated: 2025-09-29. Review status: criteria provided, single submitter. Criteria: Quest Diagnostics criteria. Collection method: clinical testing. Allele origin: unknown.
Comment: The HBA1 c.178G>C (p.Gly60Arg) variant has been reported as a highly unstable variant and responsible for Hb H disease when in combination with the --SEA or --MED alpha-zero deletion on the other allele (ITHANET, PMIDs: 11074535 (2000), 24261598 (2014), 29115167 (2017), 31553106 (2020), and 36815319 (2022)). The frequency of this variant in the general population (Genome Aggregation Database) is consistent with pathogenicity. Analysis of this variant using bioinformatics tools for the prediction of the effect of amino acid changes on protein structure and function yielded predictions that this variant is damaging. Based on the available information, this variant is classified as pathogenic.

Women's Health and Genetics/Laboratory Corporation of America, LabCorp
Classification: Pathogenic for alpha Thalassemia. Last evaluated: 2023-08-29. Review status: criteria provided, single submitter. Criteria: LabCorp Variant Classification Summary - May 2015. Collection method: clinical testing. Allele origin: germline.
Comment: Variant summary: HBA1 c.178G>C (p.Gly60Arg) results in a non-conservative amino acid change located in the Globin domain (IPR000971) of the encoded protein sequence. Four of four in-silico tools predict a damaging effect of the variant on protein function. The variant allele was found at a frequency of 7.4e-06 in 135930 control chromosomes (gnomAD). c.178G>C has been reported in the literature in multiple individuals affected with Alpha Thalassemia (e.g. Oron-Karni_2000, Fang_2014, Jiang_2017, Gilad_2017). These data indicate that the variant is very likely to be associated with disease. To our knowledge, no experimental evidence demonstrating an impact on protein function has been reported. However, in silico protein folding models predict that the variant is unstable in both oxy and de-oxy environments (Scheps_2019). The following publications have been ascertained in the context of this evaluation (PMID: 24261598, 28160324, 29115167, 11074535, 31553106). One ClinVar submitter has assessed the variant since 2014, and classified the variant as pathogenic. Based on the evidence outlined above, the variant was classified as pathogenic.

Literature cited by the submitters: PubMed 24261598 (cited by 3 submitters); PubMed 36815319 (cited by Natera, Inc. and Quest Diagnostics Nichols Institute San Juan Capistrano); PubMed 31553106 (cited by Quest Diagnostics Nichols Institute San Juan Capistrano and Women's Health and Genetics/Laboratory Corporation of America, LabCorp); PubMed 39256948 (cited by Quest Diagnostics Nichols Institute San Juan Capistrano); PubMed 11074535 (cited by Quest Diagnostics Nichols Institute San Juan Capistrano and Women's Health and Genetics/Laboratory Corporation of America, LabCorp); PubMed 15658192 (cited by Quest Diagnostics Nichols Institute San Juan Capistrano); PubMed 27686733 (cited by Quest Diagnostics Nichols Institute San Juan Capistrano); PubMed 28160324 (cited by Quest Diagnostics Nichols Institute San Juan Capistrano and Women's Health and Genetics/Laboratory Corporation of America, LabCorp); PubMed 29115167 (cited by Quest Diagnostics Nichols Institute San Juan Capistrano and Women's Health and Genetics/Laboratory Corporation of America, LabCorp); PubMed 30151892 (cited by Quest Diagnostics Nichols Institute San Juan Capistrano).